The following is an entry in ClinVar:

ClinVar aggregate classification (germline): Benign/Likely benign. Review status: criteria provided, multiple submitters, no conflicts (2 of 4 stars). 3 submissions from 3 submitters: Benign (1); Likely benign (2). Last evaluated 2024-11-27.

Submissions (3):

Blueprint Genetics
Classification: Likely benign. Last evaluated: 2024-11-27. Review status: criteria provided, single submitter. Criteria: ACMG Guidelines, 2015. Collection method: clinical testing. Allele origin: germline.

Labcorp Genetics (formerly Invitae), Labcorp
Classification: Benign. Last evaluated: 2023-08-28. Review status: criteria provided, single submitter. Criteria: Invitae Variant Classification Sherloc (09022015). Collection method: clinical testing. Allele origin: germline.

GeneDx
Classification: Likely benign. Last evaluated: 2019-04-15. Review status: criteria provided, single submitter. Criteria: GeneDx Variant Classification Process June 2021. Collection method: clinical testing. Allele origin: germline. Affected: yes.
Comment: This variant is associated with the following publications: (PMID: 31949730)

NM_020632.3(ATP6V0A4):c.1030-18dup

Gene: ATP6V0A4 (ATPase H+ transporting V0 subunit a4; minus strand). Cytogenetic location: 7q34.
Variant type: Duplication.
Coding change: c.1030-18dup on transcript NM_020632.3 (MANE Select); 18 bases into the intron before coding-DNA position 1030, one base duplicated (T; older notation c.1030-18dupT).
Molecular consequence: intron variant.
Genome position (GRCh38, 1-based): chr7:138,749,322, A duplicated on the plus strand (T on the coding strand, the reverse complement: ATP6V0A4 is on the minus strand); the first of 14 consecutive A bases (chr7:138,749,322-138,749,335); duplicating any one gives the same sequence. VCF-style (leftmost placement, unchanged base first): chr7-138749321-G-GA. GRCh37 (hg19) VCF-style: chr7-138434066-G-GA.
Other names: c.1030-18dup (NM_130840.3, NM_130841.3).
Identifiers: ClinVar variation 1196350 (VCV001196350.5), dbSNP rs752113040, ClinGen allele CA4504905.
Genomic context (GRCh38, chr7:138,749,321, plus strand): 5'-GGCTGTTTTAGATTGCACTGTGGTCATGATGGGGGCCATGGAGGAGCCACTTAGTTCCTG[G>GA]AAAAAAAAAAAAAAGCGACAAAGATGTAAGGAGAAGAGTCTTGGGCTGGGTGTCAGCACA-3'